The following is an entry in ClinVar:

NM_033380.3(COL4A5):c.439G>A (p.Gly147Arg)

Gene: COL4A5 (collagen type IV alpha 5 chain; plus strand). Cytogenetic location: Xq22.3.
Variant type: single nucleotide variant.
Coding change: c.439G>A on transcript NM_033380.3 (MANE Select); coding-DNA position 439, G replaced by A.
Protein change: p.Gly147Arg; replaces glycine 147 with arginine.
Molecular consequence: missense variant.
Genome position (GRCh38, 1-based): chrX:108,571,811, G>A. VCF-style: chrX-108571811-G-A. GRCh37 (hg19) VCF-style: chrX-107815041-G-A.
Other names: c.439G>A, p.Gly147Arg (NM_000495.5); short protein forms G147R.
Identifiers: ClinVar variation 1495185 (VCV001495185.8), dbSNP rs2066069145, ClinGen allele CA413920313.
Genomic context (GRCh38, chrX:108,571,811, plus strand): 5'-TGTAATTGGCGTGTTTCTCTCTCATACATATAAAATAATCCCTTTTCTTTTTAATAATAG[G>A]GACCCCCTGGGATCCCAGGTATGAAGGTAAGCATCTCATTCTGGGGAACAAATGTTTTGA-3'
Protein context (NP_203699.1, residues 137-157): PGFPGLQGPP[Gly147Arg]PPGIPGMKGE

ClinVar aggregate classification (germline): Likely pathogenic (1 of 4 stars; one submission).

Submission:

Labcorp Genetics (formerly Invitae), Labcorp
Classification: Likely pathogenic. Last evaluated: 2022-09-21. Review status: criteria provided, single submitter. Criteria: Invitae Variant Classification Sherloc (09022015). Collection method: clinical testing. Allele origin: germline.
Comment: This sequence change replaces glycine, which is neutral and non-polar, with arginine, which is basic and polar, at codon 147 of the COL4A5 protein (p.Gly147Arg). In summary, the currently available evidence indicates that the variant is pathogenic, but additional data are needed to prove that conclusively. Therefore, this variant has been classified as Likely Pathogenic. This variant disrupts the p.Gly147 amino acid residue in COL4A5. Other variant(s) that disrupt this residue have been observed in individuals with COL4A5-related conditions (Invitae), which suggests that this may be a clinically significant amino acid residue. This variant disrupts the triple helix domain of COL4A5. Glycine residues within the Gly-Xaa-Yaa repeats of the triple helix domain are required for the structure and stability of fibrillar collagens (PMID: 7695699, 8218237, 19344236). In COL4A5, missense variants at these glycine residues are significantly enriched in individuals with disease (PMID: 23720012, 27627812) compared to the general population (ExAC). Algorithms developed to predict the effect of sequence changes on RNA splicing suggest that this variant may disrupt the consensus splice site. Algorithms developed to predict the effect of missense changes on protein structure and function are either unavailable or do not agree on the potential impact of this missense change (SIFT: "Deleterious"; PolyPhen-2: "Not Available"; Align-GVGD: "Class C0"). This missense change has been observed in individual(s) with Alport syndrome (Invitae). This variant is not present in population databases (gnomAD no frequency).

Literature cited by the submitters: PubMed 7695699; PubMed 8218237; PubMed 19344236; PubMed 23720012; PubMed 27627812.